The following is an entry in ClinVar:

NM_177438.3(DICER1):c.2003A>T (p.Tyr668Phe)

Gene: DICER1 (dicer 1, ribonuclease III; minus strand). Cytogenetic location: 14q32.13.
Variant type: single nucleotide variant.
Coding change: c.2003A>T on transcript NM_177438.3 (MANE Select); coding-DNA position 2003, A replaced by T.
Protein change: p.Tyr668Phe; replaces tyrosine 668 with phenylalanine.
Molecular consequence: missense variant. On other transcripts: non-coding transcript variant (6).
Genome position (GRCh38, 1-based): chr14:95,113,129, T>A on the plus strand (A>T on the coding strand, the complement: DICER1 is on the minus strand). VCF-style: chr14-95113129-T-A. GRCh37 (hg19) VCF-style: chr14-95579466-T-A.
Other names: c.2003A>T, p.Tyr668Phe (NM_001195573.1, NM_001271282.3, NM_001291628.2 and 12 more transcripts); c.1721A>T, p.Tyr574Phe (NM_001395686.1); c.1598A>T, p.Tyr533Phe (NM_001395687.1, NM_001395688.1, NM_001395689.1 and 3 more transcripts); c.1436A>T, p.Tyr479Phe (NM_001395691.1); c.320A>T, p.Tyr107Phe (NM_001395697.1); short protein forms Y574F, Y479F, Y533F, Y107F, Y668F.
Identifiers: ClinVar variation 4637450 (VCV004637450.1).
Genomic context (GRCh38, chr14:95,113,129, plus strand): 5'-ATCATTTCTTCTTCTAAACTTACAACAATGGAGGCTCGAAGAGGTGAGTTAATTGGCAGA[T>A]AAAGAGTTGAATAAAATGTACCATCAGGCAACTCTCGGGTTCTGCATTTAGGAGCTAGAT-3'
Protein context (NP_803187.1, residues 658-678): LPDGTFYSTL[Tyr668Phe]LPINSPLRAS

ClinVar aggregate classification (germline): Uncertain significance (1 of 4 stars; one submission).

Conditions:
Hereditary cancer-predisposing syndrome. Also called: Neoplastic Syndromes, Hereditary; Tumor predisposition; Hereditary Cancer Syndrome; Hereditary neoplastic syndrome. Identifiers: Orphanet 140162, MedGen C0027672, MeSH D009386, MONDO:0015356.

Submission:

Ambry Genetics
Classification: Uncertain significance for Hereditary cancer-predisposing syndrome. Last evaluated: 2025-11-01. Review status: criteria provided, single submitter. Criteria: Ambry Variant Classification Scheme 2023. Collection method: clinical testing. Allele origin: germline.
Comment: The p.Y668F variant (also known as c.2003A>T), located in coding exon 11 of the DICER1 gene, results from an A to T substitution at nucleotide position 2003. The tyrosine at codon 668 is replaced by phenylalanine, an amino acid with highly similar properties. This amino acid position is conserved. In addition, this alteration is predicted to be tolerated by in silico analysis. Based on the available evidence, the clinical significance of this variant remains unclear.